The following is an entry in ClinVar:

ClinVar aggregate classification (germline): Uncertain significance (1 of 4 stars; one submission).

Conditions:
Mitochondrial DNA depletion syndrome 13. Also called: FBXL4-Related Encephalomyopathic Mitochondrial DNA Depletion Syndrome; Mitochondrial DNA depletion syndrome 13 (encephalomyopathic type). Identifiers: Orphanet 369897, MedGen C3809592, MONDO:0014198, OMIM 615471.

gnomAD v4.1: 1 of 1,614,022 alleles (0.000062%); highest among the groups gnomAD compares: South Asian, 0.0011%; no homozygotes.

Submission:

Wong Mito Lab, Molecular and Human Genetics, Baylor College of Medicine
Classification: Uncertain significance for Mitochondrial DNA depletion syndrome 13. Last evaluated: 2017-08-10. Review status: criteria provided, single submitter. Criteria: ACMG Guidelines, 2015. Collection method: reference population. Allele origin: germline.
Comment: The NM_012160.4:c.645A>G (NP_036292.2:p.Glu215=) [GRCH38: NC_000006.12:g.98917587T>C] variant in FBXL4 gene is interpretated to be a Uncertain Significance - Conflicting Evidence based on ACMG guidelines (PMID: 25741868). This variant meets one or more of the following evidence codes reported in the ACMG-guideline. PM2:This variant is absent in key population databases. BP4:Computational evidence/predictors indicate no impact on the FBXL4 structure, function, or protein-protein interaction. BP7:The variant is silent with non predicted splice impact. Based on this evidence code ClinGen Pathogenicity Calculator (PMID:28081714) suggested that the variant is Uncertain Significance - Conflicting Evidence.

NM_001278716.2(FBXL4):c.645A>G (p.Glu215=)

Gene: FBXL4 (F-box and leucine rich repeat protein 4; minus strand). Cytogenetic location: 6q16.2.
Variant type: single nucleotide variant.
Coding change: c.645A>G on transcript NM_001278716.2 (MANE Select); coding-DNA position 645, A replaced by G.
Protein change: p.Glu215=; no amino-acid change (glutamic acid 215 retained).
Molecular consequence: synonymous variant.
Genome position (GRCh38, 1-based): chr6:98,917,587, T>C on the plus strand (A>G on the coding strand, the complement: FBXL4 is on the minus strand). VCF-style: chr6-98917587-T-C. GRCh37 (hg19) VCF-style: chr6-99365463-T-C.
Other names: c.645A>G, p.Glu215= (NM_012160.5).
Identifiers: ClinVar variation 437610 (VCV000437610.1), dbSNP rs752917494, ClinGen allele CA3933644.
Genomic context (GRCh38, chr6:98,917,587, plus strand): 5'-AGAAAGCACTGGCTTGTCCTTCACACCATGTAGCACAACTGCATCTAATTCAGTGTAATA[T>C]TCCAGAAGAGAACTATTTACTTCCAGTCGTATAAGATTTGTGGGGAAATTTATCTGCTTA-3'
Protein context (NP_001265645.1, residues 205-225): IRLEVNSSLL[Glu215=]YYTELDAVVL